The following is an entry in ClinVar:

NM_181712.5(KANK4):c.2000G>A (p.Gly667Glu)

Gene: KANK4 (KN motif and ankyrin repeat domains 4; minus strand). Cytogenetic location: 1p31.3.
Variant type: single nucleotide variant.
Coding change: c.2000G>A on transcript NM_181712.5 (MANE Select); coding-DNA position 2000, G replaced by A.
Protein change: p.Gly667Glu; replaces glycine 667 with glutamic acid.
Molecular consequence: missense variant.
Genome position (GRCh38, 1-based): chr1:62,271,490, C>T on the plus strand (G>A on the coding strand, the complement: KANK4 is on the minus strand). VCF-style: chr1-62271490-C-T. GRCh37 (hg19) VCF-style: chr1-62737162-C-T.
Other names: c.116G>A, p.Gly39Glu (NM_001320269.2); short protein forms G39E, G667E.
Identifiers: ClinVar variation 2723516 (VCV002723516.3), dbSNP rs200224484, ClinGen allele CA884250.

ClinVar aggregate classification (germline): Uncertain significance (1 of 4 stars; one submission).

Allele frequency attached by ClinVar (database versions not stated): gnomAD 0.00008; TOPMed 0.00011; gnomAD exomes 0.00018; ExAC 0.00007; ESP Exome Variant Server 0.00008.
gnomAD v4.1: 281 of 1,612,368 alleles (0.017%); highest among the groups gnomAD compares: Non-Finnish European, 0.022%; no homozygotes.

Submission:

Labcorp Genetics (formerly Invitae), Labcorp
Classification: Uncertain significance. Last evaluated: 2025-06-12. Review status: criteria provided, single submitter. Criteria: Invitae Variant Classification Sherloc (09022015). Collection method: clinical testing. Allele origin: germline.
Comment: This sequence change replaces glycine, which is neutral and non-polar, with glutamic acid, which is acidic and polar, at codon 667 of the KANK4 protein (p.Gly667Glu). This variant is present in population databases (rs200224484, gnomAD 0.02%). This variant has not been reported in the literature in individuals affected with KANK4-related conditions. ClinVar contains an entry for this variant (Variation ID: 2723516). An algorithm developed to predict the effect of missense changes on protein structure and function (PolyPhen-2) suggests that this variant is likely to be disruptive. In summary, the available evidence is currently insufficient to determine the role of this variant in disease. Therefore, it has been classified as a Variant of Uncertain Significance.